The following is an entry in ClinVar:

ClinVar aggregate classification (germline): Uncertain significance (1 of 4 stars; one submission).

gnomAD v4.1: 1 of 1,231,066 alleles (0.000081%); highest among the groups gnomAD compares: East Asian, 0.0032%; no homozygotes.

Submission:

Ambry Genetics
Classification: Uncertain significance. Last evaluated: 2024-12-20. Review status: criteria provided, single submitter. Criteria: Ambry Variant Classification Scheme 2023. Collection method: clinical testing. Allele origin: germline.
Comment: The p.D9E variant (also known as c.27C>A), located in coding exon 1 of the WNK2 gene, results from a C to A substitution at nucleotide position 27. The aspartic acid at codon 9 is replaced by glutamic acid, an amino acid with highly similar properties. This amino acid position is conserved. In addition, this alteration is predicted to be tolerated by in silico analysis. Based on the available evidence, the clinical significance of this variant remains unclear.

NM_006648.4(WNK2):c.27C>A (p.Asp9Glu)

Gene: WNK2 (WNK lysine deficient protein kinase 2; plus strand). Cytogenetic location: 9q22.31.
Variant type: single nucleotide variant.
Coding change: c.27C>A on transcript NM_006648.4 (MANE Select); coding-DNA position 27, C replaced by A.
Protein change: p.Asp9Glu; replaces aspartic acid 9 with glutamic acid.
Molecular consequence: missense variant.
Genome position (GRCh38, 1-based): chr9:93,184,956, C>A. VCF-style: chr9-93184956-C-A. GRCh37 (hg19) VCF-style: chr9-95947238-C-A.
Other names: c.27C>A, p.Asp9Glu (NM_001282394.3); short protein forms D9E.
Identifiers: ClinVar variation 3816569 (VCV003816569.1).